The following is an entry in ClinVar:

NM_012208.4(HARS2):c.413G>A (p.Arg138His)

Gene: HARS2 (histidyl-tRNA synthetase 2, mitochondrial; plus strand). Cytogenetic location: 5q31.3.
Variant type: single nucleotide variant.
Coding change: c.413G>A on transcript NM_012208.4 (MANE Select); coding-DNA position 413, G replaced by A.
Protein change: p.Arg138His; replaces arginine 138 with histidine.
Molecular consequence: missense variant. On other transcripts: intron variant (1).
Genome position (GRCh38, 1-based): chr5:140,695,521, G>A. VCF-style: chr5-140695521-G-A. GRCh37 (hg19) VCF-style: chr5-140075106-G-A.
Other names: c.338G>A, p.Arg113His (NM_001278731.2); c.431G>A, p.Arg144His (NM_001363535.2); c.203G>A, p.Arg68His (NM_001363536.2); c.94-217G>A (NM_001278732.2); c.413G>A (NM_012208.2); short protein forms R138H, R144H, R113H, R68H.
Identifiers: ClinVar variation 635272 (VCV000635272.4), dbSNP rs1432653451, ClinGen allele CA361197036.

ClinVar aggregate classification (germline): Uncertain significance. Review status: criteria provided, multiple submitters, no conflicts (2 of 4 stars). 3 submissions from 3 submitters: Uncertain significance (2). 1 of the submissions does not count toward it. Last evaluated 2024-07-11.

Conditions:
Sensorineural hearing loss disorder. Also called: Sensorineural hearing loss; Sensorineural hearing impairment; Sensorineural Deafness. Identifiers: MedGen C0018784, MeSH D006319, MONDO:0020678, HP:0000407.
HARS2-related disorder. Also called: HARS2-related condition.

Allele frequency attached by ClinVar (database versions not stated): gnomAD 0.00001; TOPMed 0.00001; gnomAD exomes 0.00003 and 0.00004.
gnomAD v4.1: 66 of 1,613,884 alleles (0.0041%); highest among the groups gnomAD compares: Non-Finnish European, 0.0053%; no homozygotes.

Submissions (3):

GeneDx
Classification: Uncertain significance. Last evaluated: 2024-07-11. Review status: criteria provided, single submitter. Criteria: GeneDx Variant Classification Process June 2021. Collection method: clinical testing. Allele origin: germline. Affected: yes.
Comment: Identified in a patient with sensorineural hearing loss in published literature (PMID: 31827252); Not observed at significant frequency in large population cohorts (gnomAD); In silico analysis supports that this missense variant has a deleterious effect on protein structure/function; This variant is associated with the following publications: (PMID: 31827252, 33228777, 34406847)

PreventionGenetics, part of Exact Sciences
Classification: Uncertain significance for HARS2-related condition. Last evaluated: 2023-01-12. Review status: criteria provided, single submitter. Criteria: ACMG Guidelines, 2015. Collection method: clinical testing. Allele origin: germline.
Comment: The HARS2 c.413G>A variant is predicted to result in the amino acid substitution p.Arg138His. This variant was reported in the compound heterozygous state in a patient with sensorineural hearing loss (Demain et al. 2020. PubMed ID: 31827252). This variant is reported in 0.010% of alleles in individuals of East Asian descent in gnomAD. At this time, the clinical significance of this variant is uncertain due to the absence of conclusive functional and genetic evidence.

Dept. of Evolution and Genomic Sciences, University of Manchester
Classification: Likely pathogenic for Sensorineural hearing loss disorder. Last evaluated: 2019-01-17. Review status: no assertion criteria provided. Collection method: clinical testing. Allele origin: inherited. Inheritance: Autosomal recessive inheritance. Affected: yes. Observed: 1 variant allele. Not counted in ClinVar's aggregate classification.
Comment: Likely pathogenic variant in a known hearing loss gene. Highly conserved residue and part of a salt bridge required for active site formation.